The following is an entry in ClinVar:

ClinVar aggregate classification (germline): Benign. Review status: criteria provided, multiple submitters, no conflicts (2 of 4 stars). 9 submissions from 8 submitters: Benign (9). Last evaluated 2026-06-16.

Conditions:
Polyps, multiple and recurrent inflammatory fibroid, gastrointestinal. Identifiers: MedGen C5193005, MONDO:0008285, OMIM 175510.
Hereditary cancer-predisposing syndrome. Also called: Neoplastic Syndromes, Hereditary; Hereditary neoplastic syndrome; Hereditary Cancer Syndrome; Tumor predisposition. Identifiers: Orphanet 140162, MedGen C0027672, MeSH D009386, MONDO:0015356.
Idiopathic hypereosinophilic syndrome (HES). Identifiers: Orphanet 3260, MedGen C0206141, MONDO:0011895, OMIM 607685. Disease mechanism: gain of function.
Gastrointestinal stromal tumor. Also called: Gastrointestinal stromal tumor, somatic; Gastrointestinal stroma tumor. Identifiers: Orphanet 44890, MedGen C0238198, MeSH D046152, MONDO:0011719, OMIM 606764, HP:0100723.

Allele frequency attached by ClinVar (database versions not stated): gnomAD exomes 0.14317 and 0.18482; ESP Exome Variant Server 0.16323; gnomAD 0.17704 and 0.17993; ExAC 0.17748; TOPMed 0.19284; 1000 Genomes Project 0.23423; 1000 Genomes Project 30x 0.24001.
gnomAD v4.1: 236,548 of 1,613,524 alleles (15%); highest among the groups gnomAD compares: Admixed American, 37%; 20,756 homozygotes.

Submissions (9):

Myriad Genetics, Inc.
Classification: Benign for Polyps, multiple and recurrent inflammatory fibroid, gastrointestinal. Last evaluated: 2026-06-16. Review status: criteria provided, single submitter. Criteria: Myriad Autosomal Dominant, Autosomal Recessive and X-Linked Classification Criteria (2023). Collection method: clinical testing. Allele origin: unknown.
Comment: This variant is considered benign. This variant is a silent/synonymous amino acid change and it is not expected to impact splicing.

Labcorp Genetics (formerly Invitae), Labcorp
Classification: Benign for Gastrointestinal stromal tumor. Last evaluated: 2026-02-04. Review status: criteria provided, single submitter. Criteria: Invitae Variant Classification Sherloc (09022015). Collection method: clinical testing. Allele origin: germline.

Mayo Clinic Laboratories, Mayo Clinic
Classification: Benign. Last evaluated: 2022-04-26. Review status: criteria provided, single submitter. Criteria: ACMG Guidelines, 2015. Collection method: clinical testing. Allele origin: germline. Observed: 137 variant alleles.

Ambry Genetics
Classification: Benign for Hereditary cancer-predisposing syndrome. Last evaluated: 2018-11-08. Review status: criteria provided, single submitter. Criteria: Ambry Variant Classification Scheme 2023. Collection method: clinical testing. Allele origin: germline.

GeneDx
Classification: Benign. Last evaluated: 2018-06-22. Review status: criteria provided, single submitter. Criteria: GeneDx Variant Classification Process June 2021. Collection method: clinical testing. Allele origin: germline. Affected: yes.

Illumina Laboratory Services, Illumina
Classification: Benign for Idiopathic hypereosinophilic syndrome. Last evaluated: 2018-01-13. Review status: criteria provided, single submitter. Criteria: ICSL Variant Classification Criteria 13 December 2019. Collection method: clinical testing. Allele origin: germline.
Comment: This variant was observed in the ICSL laboratory as part of a predisposition screen in an ostensibly healthy population. It had not been previously curated by ICSL or reported in the Human Gene Mutation Database (HGMD: prior to June 1st, 2018), and was therefore a candidate for classification through an automated scoring system. Utilizing variant allele frequency, disease prevalence and penetrance estimates, and inheritance mode, an automated score was calculated to assess if this variant is too frequent to cause the disease. Based on the score and internal cut-off values, a variant classified as benign is not then subjected to further curation. The score for this variant resulted in a classification of benign for this disease.

Illumina Laboratory Services, Illumina
Classification: Benign for Gastrointestinal stromal tumor. Last evaluated: 2018-01-13. Review status: criteria provided, single submitter. Criteria: ICSL Variant Classification Criteria 13 December 2019. Collection method: clinical testing. Allele origin: germline.
Comment: the same text as in the submission from Illumina Laboratory Services, Illumina above.

Breakthrough Genomics
Classification: Benign. Review status: criteria provided, single submitter. Criteria: ACMG Guidelines, 2015. Collection method: not provided. Allele origin: germline. Inheritance: Autosomal dominant inheritance. Affected: yes.

PreventionGenetics, part of Exact Sciences
Classification: Benign. Review status: criteria provided, single submitter. Criteria: ACMG Guidelines, 2015. Collection method: clinical testing. Allele origin: germline.

NM_006206.6(PDGFRA):c.939T>G (p.Gly313=)

Gene: PDGFRA (platelet derived growth factor receptor alpha; plus strand). Cytogenetic location: 4q12.
Variant type: single nucleotide variant.
Coding change: c.939T>G on transcript NM_006206.6 (MANE Select); coding-DNA position 939, T replaced by G.
Protein change: p.Gly313=; no amino-acid change (glycine 313 retained).
Molecular consequence: synonymous variant.
Genome position (GRCh38, 1-based): chr4:54,267,559, T>G. VCF-style: chr4-54267559-T-G. GRCh37 (hg19) VCF-style: chr4-55133726-T-G.
Other names: p.Gly313=; c.939T>G, p.Gly313= (NM_001347827.2, NM_001347829.2); c.1014T>G, p.Gly338= (NM_001347828.2); c.978T>G, p.Gly326= (NM_001347830.2).
Identifiers: ClinVar variation 259956 (VCV000259956.23), dbSNP rs4358459, ClinGen allele CA2922439.
Genomic context (GRCh38, chr4:54,267,559, plus strand): 5'-CTCGGGATCCATATGTGGTAATCATTATTTAATGGAAACTCTTCCCTGTACAGAGAAAGG[T>G]TTCATTGAAATCAAACCCACCTTCAGCCAGTTGGAAGCTGTCAACCTGCATGAAGTCAAA-3'
Protein context (NP_006197.1, residues 303-323): KKVTISVHEK[Gly313=]FIEIKPTFSQ